The following is an entry in ClinVar:

NM_002834.5(PTPN11):c.1039C>A (p.Gln347Lys)

Gene: PTPN11 (protein tyrosine phosphatase non-receptor type 11; plus strand). Cytogenetic location: 12q24.13.
Variant type: single nucleotide variant.
Coding change: c.1039C>A on transcript NM_002834.5 (MANE Select); coding-DNA position 1039, C replaced by A.
Protein change: p.Gln347Lys; replaces glutamine 347 with lysine.
Molecular consequence: missense variant.
Genome position (GRCh38, 1-based): chr12:112,477,962, C>A. VCF-style: chr12-112477962-C-A. GRCh37 (hg19) VCF-style: chr12-112915766-C-A.
Other names: c.1039C>A, p.Gln347Lys (NM_001330437.2, NM_080601.3); c.1036C>A, p.Gln346Lys (NM_001374625.1); short protein forms Q346K, Q347K.
Identifiers: ClinVar variation 1415481 (VCV001415481.8), dbSNP rs2038533750, ClinGen allele CA386791536.

ClinVar aggregate classification (germline): Uncertain significance (1 of 4 stars; one submission).

Conditions:
RASopathy. Also called: rasopathies; Noonan spectrum disorder. Identifiers: Orphanet 536391, MedGen C5555857, MONDO:0021060.

Allele frequency attached by ClinVar (database versions not stated): TOPMed below 0.00001.

Submission:

Labcorp Genetics (formerly Invitae), Labcorp
Classification: Uncertain significance for RASopathy. Last evaluated: 2022-04-29. Review status: criteria provided, single submitter. Criteria: Invitae Variant Classification Sherloc (09022015). Collection method: clinical testing. Allele origin: germline.
Comment: This sequence change replaces glutamine, which is neutral and polar, with lysine, which is basic and polar, at codon 347 of the PTPN11 protein (p.Gln347Lys). This variant is not present in population databases (gnomAD no frequency). In summary, the available evidence is currently insufficient to determine the role of this variant in disease. Therefore, it has been classified as a Variant of Uncertain Significance. Advanced modeling of protein sequence and biophysical properties (such as structural, functional, and spatial information, amino acid conservation, physicochemical variation, residue mobility, and thermodynamic stability) performed at Invitae indicates that this missense variant is expected to disrupt PTPN11 protein function. This variant has not been reported in the literature in individuals affected with PTPN11-related conditions.